The following is an entry in ClinVar:

NM_003073.5(SMARCB1):c.859G>A (p.Glu287Lys)

Gene: SMARCB1 (SWI/SNF related BAF chromatin remodeling complex subunit B1; plus strand). Cytogenetic location: 22q11.23.
Variant type: single nucleotide variant.
Coding change: c.859G>A on transcript NM_003073.5 (MANE Select); coding-DNA position 859, G replaced by A.
Protein change: p.Glu287Lys; replaces glutamic acid 287 with lysine.
Molecular consequence: missense variant.
Genome position (GRCh38, 1-based): chr22:23,825,288, G>A. VCF-style: chr22-23825288-G-A. GRCh37 (hg19) VCF-style: chr22-24167475-G-A.
Other names: c.832G>A, p.Glu278Lys (NM_001007468.3); c.886G>A, p.Glu296Lys (NM_001317946.2); c.913G>A, p.Glu305Lys (NM_001362877.2); short protein forms E287K, E278K, E296K, E305K.
Identifiers: ClinVar variation 3698502 (VCV003698502.1).

ClinVar aggregate classification (germline): Uncertain significance (1 of 4 stars; one submission).

gnomAD v4.1: 1 of 1,614,060 alleles (0.000062%); highest among the groups gnomAD compares: South Asian, 0.0011%; no homozygotes.

Submission:

Labcorp Genetics (formerly Invitae), Labcorp
Classification: Uncertain significance. Last evaluated: 2025-01-23. Review status: criteria provided, single submitter. Criteria: Invitae Variant Classification Sherloc (09022015). Collection method: clinical testing. Allele origin: germline.
Comment: This sequence change replaces glutamic acid, which is acidic and polar, with lysine, which is basic and polar, at codon 287 of the SMARCB1 protein (p.Glu287Lys). This variant is not present in population databases (gnomAD no frequency). This variant has not been reported in the literature in individuals affected with SMARCB1-related conditions. Invitae Evidence Modeling of protein sequence and biophysical properties (such as structural, functional, and spatial information, amino acid conservation, physicochemical variation, residue mobility, and thermodynamic stability) indicates that this missense variant is not expected to disrupt SMARCB1 protein function with a negative predictive value of 80%. In summary, the available evidence is currently insufficient to determine the role of this variant in disease. Therefore, it has been classified as a Variant of Uncertain Significance.